The following is an entry in ClinVar:

ClinVar aggregate classification (germline): Benign. Review status: criteria provided, multiple submitters, no conflicts (2 of 4 stars). 3 submissions from 3 submitters: Benign (2). 1 of the submissions does not count toward it. Last evaluated 2026-01-15.

Conditions:
SOX18-related disorder. Also called: SOX18-related condition.

Allele frequency attached by ClinVar (database versions not stated): ExAC 0.00104; gnomAD exomes 0.00122; ESP Exome Variant Server 0.00008; gnomAD 0.00027 and 0.00028; TOPMed 0.00059; 1000 Genomes Project 0.00060; 1000 Genomes Project 30x 0.00062.

Submissions (3):

Labcorp Genetics (formerly Invitae), Labcorp
Classification: Benign. Last evaluated: 2026-01-15. Review status: criteria provided, single submitter. Criteria: Invitae Variant Classification Sherloc (09022015). Collection method: clinical testing. Allele origin: germline.

Breakthrough Genomics
Classification: Benign. Review status: criteria provided, single submitter. Criteria: ACMG Guidelines, 2015. Collection method: not provided. Allele origin: germline. Inheritance: Autosomal recessive inheritance. Affected: yes.

PreventionGenetics, part of Exact Sciences
Classification: Likely benign for SOX18-related condition. Last evaluated: 2021-02-23. Review status: no assertion criteria provided. Collection method: clinical testing. Allele origin: germline. Not counted in ClinVar's aggregate classification.
Comment: This variant is classified as likely benign based on ACMG/AMP sequence variant interpretation guidelines (Richards et al. 2015 PMID: 25741868, with internal and published modifications).

NM_018419.3(SOX18):c.409G>A (p.Glu137Lys)

Gene: SOX18 (SRY-box transcription factor 18; minus strand). Cytogenetic location: 20q13.33.
Variant type: single nucleotide variant.
Coding change: c.409G>A on transcript NM_018419.3 (MANE Select); coding-DNA position 409, G replaced by A.
Protein change: p.Glu137Lys; replaces glutamic acid 137 with lysine.
Molecular consequence: missense variant.
Genome position (GRCh38, 1-based): chr20:64,048,912, C>T on the plus strand (G>A on the coding strand, the complement: SOX18 is on the minus strand). VCF-style: chr20-64048912-C-T. GRCh37 (hg19) VCF-style: chr20-62680265-C-T.
Other names: short protein forms E137K.
Identifiers: ClinVar variation 709170 (VCV000709170.12), dbSNP rs201931544, ClinGen allele CA9972876.